The following is an entry in ClinVar:

NM_000465.4(BARD1):c.421A>C (p.Asn141His)

Gene: BARD1 (BRCA1 associated RING domain 1; minus strand). Cytogenetic location: 2q35.
Variant type: single nucleotide variant.
Coding change: c.421A>C on transcript NM_000465.4 (MANE Select); coding-DNA position 421, A replaced by C.
Protein change: p.Asn141His; replaces asparagine 141 with histidine.
Molecular consequence: missense variant. On other transcripts: non-coding transcript variant (2), intron variant (3).
Genome position (GRCh38, 1-based): chr2:214,781,453, T>G on the plus strand (A>C on the coding strand, the complement: BARD1 is on the minus strand). VCF-style: chr2-214781453-T-G. GRCh37 (hg19) VCF-style: chr2-215646177-T-G.
Other names: c.364A>C, p.Asn122His (NM_001282543.2); c.158+27959A>C (NM_001282548.2); c.215+15608A>C (NM_001282545.2); c.364+10844A>C (NM_001282549.2); short protein forms N122H, N141H.
Identifiers: ClinVar variation 2006323 (VCV002006323.4), dbSNP rs1358540318, ClinGen allele CA350457901.

ClinVar aggregate classification (germline): Uncertain significance (1 of 4 stars; one submission).

Conditions:
Familial cancer of breast. Also called: hereditary breast carcinoma; Hereditary breast cancer; BREAST CANCER, FAMILIAL. Identifiers: Orphanet 227535, MedGen C0346153, MONDO:0016419, OMIM 114480. Disease mechanism: loss of function.

Submission:

Labcorp Genetics (formerly Invitae), Labcorp
Classification: Uncertain significance for Familial cancer of breast. Last evaluated: 2025-05-05. Review status: criteria provided, single submitter. Criteria: Invitae Variant Classification Sherloc (09022015). Collection method: clinical testing. Allele origin: germline.
Comment: This sequence change replaces asparagine, which is neutral and polar, with histidine, which is basic and polar, at codon 141 of the BARD1 protein (p.Asn141His). This variant is not present in population databases (gnomAD no frequency). This variant has not been reported in the literature in individuals affected with BARD1-related conditions. ClinVar contains an entry for this variant (Variation ID: 2006323). An algorithm developed to predict the effect of missense changes on protein structure and function (PolyPhen-2) suggests that this variant is likely to be disruptive. In summary, the available evidence is currently insufficient to determine the role of this variant in disease. Therefore, it has been classified as a Variant of Uncertain Significance.